The following is an entry in ClinVar:

NM_000135.4(FANCA):c.1996G>A (p.Asp666Asn)

Gene: FANCA (FA complementation group A; minus strand). Cytogenetic location: 16q24.3.
Variant type: single nucleotide variant.
Coding change: c.1996G>A on transcript NM_000135.4 (MANE Select); coding-DNA position 1996, G replaced by A.
Protein change: p.Asp666Asn; replaces aspartic acid 666 with asparagine.
Molecular consequence: missense variant.
Genome position (GRCh38, 1-based): chr16:89,773,289, C>T on the plus strand (G>A on the coding strand, the complement: FANCA is on the minus strand). VCF-style: chr16-89773289-C-T. GRCh37 (hg19) VCF-style: chr16-89839697-C-T.
Other names: c.1996G>A, p.Asp666Asn (NM_001286167.3); short protein forms D666N.
Identifiers: ClinVar variation 4619308 (VCV004619308.1).

ClinVar aggregate classification (germline): Uncertain significance (1 of 4 stars; one submission).

Conditions:
Inborn genetic diseases. Identifiers: MedGen C0950123, MeSH D030342.

gnomAD v4.1: 1 of 1,551,176 alleles (0.000064%); highest among the groups gnomAD compares: Non-Finnish European, 0.000087%; no homozygotes.

Submission:

Ambry Genetics
Classification: Uncertain significance for Inborn genetic diseases. Last evaluated: 2025-12-07. Review status: criteria provided, single submitter. Criteria: Ambry Variant Classification Scheme 2023. Collection method: clinical testing. Allele origin: germline.
Comment: The p.D666N variant (also known as c.1996G>A), located in coding exon 22 of the FANCA gene, results from a G to A substitution at nucleotide position 1996. The aspartic acid at codon 666 is replaced by asparagine, an amino acid with highly similar properties. This amino acid position is conserved. In addition, this alteration is predicted to be tolerated by in silico analysis. Based on the available evidence, the clinical significance of this variant remains unclear.